The following is an entry in ClinVar:

ClinVar aggregate classification (germline): Uncertain significance (1 of 4 stars; one submission).

Submission:

Labcorp Genetics (formerly Invitae), Labcorp
Classification: Uncertain significance. Last evaluated: 2024-03-21. Review status: criteria provided, single submitter. Criteria: Invitae Variant Classification Sherloc (09022015). Collection method: clinical testing. Allele origin: germline.
Comment: This sequence change replaces glutamine, which is neutral and polar, with glutamic acid, which is acidic and polar, at codon 501 of the LZTS1 protein (p.Gln501Glu). This variant is not present in population databases (gnomAD no frequency). This variant has not been reported in the literature in individuals affected with LZTS1-related conditions. Advanced modeling of protein sequence and biophysical properties (such as structural, functional, and spatial information, amino acid conservation, physicochemical variation, residue mobility, and thermodynamic stability) performed at Invitae indicates that this missense variant is not expected to disrupt LZTS1 protein function with a negative predictive value of 80%. In summary, the available evidence is currently insufficient to determine the role of this variant in disease. Therefore, it has been classified as a Variant of Uncertain Significance.

NM_021020.5(LZTS1):c.1501C>G (p.Gln501Glu)

Gene: LZTS1 (leucine zipper tumor suppressor 1; minus strand). Cytogenetic location: 8p21.3.
Variant type: single nucleotide variant.
Coding change: c.1501C>G on transcript NM_021020.5 (MANE Select); coding-DNA position 1501, C replaced by G.
Protein change: p.Gln501Glu; replaces glutamine 501 with glutamic acid.
Molecular consequence: missense variant.
Genome position (GRCh38, 1-based): chr8:20,250,012, G>C on the plus strand (C>G on the coding strand, the complement: LZTS1 is on the minus strand). VCF-style: chr8-20250012-G-C. GRCh37 (hg19) VCF-style: chr8-20107523-G-C.
Other names: c.1501C>G, p.Gln501Glu (NM_001362884.2); short protein forms Q501E.
Identifiers: ClinVar variation 3647234 (VCV003647234.2).